The following is an entry in ClinVar:

NM_007327.4(GRIN1):c.1220C>T (p.Pro407Leu)

Gene: GRIN1 (glutamate ionotropic receptor NMDA type subunit 1; plus strand). Cytogenetic location: 9q34.3.
Variant type: single nucleotide variant.
Coding change: c.1220C>T on transcript NM_007327.4 (MANE Select); coding-DNA position 1220, C replaced by T.
Protein change: p.Pro407Leu; replaces proline 407 with leucine.
Molecular consequence: missense variant.
Genome position (GRCh38, 1-based): chr9:137,161,078, C>T. VCF-style: chr9-137161078-C-T. GRCh37 (hg19) VCF-style: chr9-140055530-C-T.
Other names: c.1220C>T, p.Pro407Leu (NM_000832.7, NM_021569.4); c.1283C>T, p.Pro428Leu (NM_001185090.2, NM_001185091.2); short protein forms P407L, P428L.
Identifiers: ClinVar variation 2101444 (VCV002101444.4), dbSNP rs1455594208, ClinGen allele CA375715877.

ClinVar aggregate classification (germline): Uncertain significance (1 of 4 stars; one submission).

Conditions:
Neurodevelopmental disorder with or without hyperkinetic movements and seizures, autosomal dominant. Also called: Intellectual disability, autosomal dominant 8. Identifiers: MedGen C3280282, MONDO:0013655, OMIM 614254.

Submission:

Labcorp Genetics (formerly Invitae), Labcorp
Classification: Uncertain significance for Neurodevelopmental disorder with or without hyperkinetic movements and seizures, autosomal dominant. Last evaluated: 2022-02-22. Review status: criteria provided, single submitter. Criteria: Invitae Variant Classification Sherloc (09022015). Collection method: clinical testing. Allele origin: germline.
Comment: In summary, the available evidence is currently insufficient to determine the role of this variant in disease. Therefore, it has been classified as a Variant of Uncertain Significance. Advanced modeling of protein sequence and biophysical properties (such as structural, functional, and spatial information, amino acid conservation, physicochemical variation, residue mobility, and thermodynamic stability) performed at Invitae indicates that this missense variant is expected to disrupt GRIN1 protein function. This variant has not been reported in the literature in individuals affected with GRIN1-related conditions. This variant is not present in population databases (gnomAD no frequency). This sequence change replaces proline, which is neutral and non-polar, with leucine, which is neutral and non-polar, at codon 407 of the GRIN1 protein (p.Pro407Leu).